The following is an entry in ClinVar:

ClinVar aggregate classification (germline): Benign/Likely benign. Review status: criteria provided, multiple submitters, no conflicts (2 of 4 stars). 5 submissions from 5 submitters: Benign (1); Likely benign (4). Last evaluated 2026-01-04.

Conditions:
Inborn genetic diseases. Identifiers: MedGen C0950123, MeSH D030342.
CHARGE syndrome (CHARGE). Also called: Hittner Hirsch Kreh syndrome; Coloboma, heart anomaly, choanal atresia, retardation, genital and ear anomalies; CHARGE association; Hall-Hittner syndrome; CHARGE ASSOCIATION--COLOBOMA, HEART ANOMALY, CHOANAL ATRESIA, RETARDATION, GENITAL AND EAR ANOMALIES. Identifiers: Orphanet 138, MedGen C0265354, MONDO:0008965.

Allele frequency attached by ClinVar (database versions not stated): gnomAD 0.00003; ExAC 0.00004; TOPMed 0.00004; gnomAD exomes 0.00006 and 0.00016.
gnomAD v4.1: 231 of 1,595,310 alleles (0.014%); highest among the groups gnomAD compares: Non-Finnish European, 0.018%; no homozygotes.

Submissions (5):

Labcorp Genetics (formerly Invitae), Labcorp
Classification: Benign for CHARGE syndrome. Last evaluated: 2026-01-04. Review status: criteria provided, single submitter. Criteria: Invitae Variant Classification Sherloc (09022015). Collection method: clinical testing. Allele origin: germline.

CeGaT Center for Human Genetics Tuebingen
Classification: Likely benign. Last evaluated: 2023-12-01. Review status: criteria provided, single submitter. Criteria: CeGaT Center For Human Genetics Tuebingen Variant Classification Criteria Version 2. Collection method: clinical testing. Allele origin: germline. Affected: yes. Observed: 1 variant allele.
Comment: CHD7: BP4

Blueprint Genetics
Classification: Likely benign. Last evaluated: 2023-08-14. Review status: criteria provided, single submitter. Criteria: ACMG Guidelines, 2015. Collection method: clinical testing. Allele origin: germline.

GeneDx
Classification: Likely benign. Last evaluated: 2020-03-09. Review status: criteria provided, single submitter. Criteria: GeneDx Variant Classification Process June 2021. Collection method: clinical testing. Allele origin: germline. Affected: yes.

Ambry Genetics
Classification: Likely benign for Inborn genetic diseases. Last evaluated: 2018-11-29. Review status: criteria provided, single submitter. Criteria: Ambry Variant Classification Scheme 2023. Collection method: clinical testing. Allele origin: germline.

NM_017780.4(CHD7):c.2758C>T (p.Arg920Trp)

Gene: CHD7 (chromodomain helicase DNA binding protein 7; plus strand). Cytogenetic location: 8q12.2.
Variant type: single nucleotide variant.
Coding change: c.2758C>T on transcript NM_017780.4 (MANE Select); coding-DNA position 2758, C replaced by T.
Protein change: p.Arg920Trp; replaces arginine 920 with tryptophan.
Molecular consequence: missense variant. On other transcripts: intron variant (1).
Genome position (GRCh38, 1-based): chr8:60,821,850, C>T. VCF-style: chr8-60821850-C-T. GRCh37 (hg19) VCF-style: chr8-61734409-C-T.
Other names: c.1717-40379C>T (NM_001316690.1); short protein forms R920W.
Identifiers: ClinVar variation 964656 (VCV000964656.35), dbSNP rs773773546, ClinGen allele CA4759810.